The following is an entry in ClinVar:

ClinVar aggregate classification (germline): Uncertain significance (0 of 4 stars; one submission).

Submission:

Martin Pollak Laboratory,  Beth Israel Deaconess Medical Center
Classification: Uncertain significance. Review status: no assertion criteria provided. Collection method: not provided. Allele origin: unknown.
Comment: Lower UCa2+ group
ClinVar note: Converted during submission from unknown to Uncertain significance.

NM_003040.4(SLC4A2):c.3358G>A (p.Gly1120Arg)

Gene: SLC4A2 (solute carrier family 4 member 2; plus strand). Cytogenetic location: 7q36.1.
Variant type: single nucleotide variant.
Coding change: c.3358G>A on transcript NM_003040.4 (MANE Select); coding-DNA position 3358, G replaced by A.
Protein change: p.Gly1120Arg; replaces glycine 1120 with arginine.
Molecular consequence: missense variant.
Genome position (GRCh38, 1-based): chr7:151,075,662, G>A. VCF-style: chr7-151075662-G-A. GRCh37 (hg19) VCF-style: chr7-150772749-G-A.
Other names: c.3358G>A, p.Gly1120Arg (NM_001199692.3); c.3331G>A, p.Gly1111Arg (NM_001199693.1); c.3316G>A, p.Gly1106Arg (NM_001199694.2); short protein forms G1120R, G1111R, G1106R.
Identifiers: ClinVar variation 64512 (VCV000064512.2), dbSNP rs387907526, ClinGen allele CA216313.